The following is an entry in ClinVar:

ClinVar aggregate classification (germline): Likely benign (1 of 4 stars; one submission).

gnomAD v4.1: 325 of 1,611,644 alleles (0.02%); highest among the groups gnomAD compares: Non-Finnish European, 0.025%; no homozygotes.

Submission:

CeGaT Center for Human Genetics Tuebingen
Classification: Likely benign. Last evaluated: 2025-09-01. Review status: criteria provided, single submitter. Criteria: CeGaT Center For Human Genetics Tuebingen Variant Classification Criteria Version 2. Collection method: clinical testing. Allele origin: germline. Affected: yes. Observed: 1 variant allele.
Comment: ZNF292: BP4, BP7

NM_015021.3(ZNF292):c.4578G>A (p.Thr1526=)

Gene: ZNF292 (zinc finger protein 292; plus strand). Cytogenetic location: 6q14.3.
Variant type: single nucleotide variant.
Coding change: c.4578G>A on transcript NM_015021.3 (MANE Select); coding-DNA position 4578, G replaced by A.
Protein change: p.Thr1526=; no amino-acid change (threonine 1526 retained).
Molecular consequence: synonymous variant.
Genome position (GRCh38, 1-based): chr6:87,258,207, G>A. VCF-style: chr6-87258207-G-A. GRCh37 (hg19) VCF-style: chr6-87967925-G-A.
Other names: c.4158G>A, p.Thr1386= (NM_001351444.2).
Identifiers: ClinVar variation 4281071 (VCV004281071.7).